The following is an entry in ClinVar:

NM_025081.3(NYNRIN):c.2269C>T (p.Arg757Cys)

Gene: NYNRIN (NYN domain and retroviral integrase containing; plus strand). Cytogenetic location: 14q12.
Variant type: single nucleotide variant.
Coding change: c.2269C>T on transcript NM_025081.3 (MANE Select); coding-DNA position 2269, C replaced by T.
Protein change: p.Arg757Cys; replaces arginine 757 with cysteine.
Molecular consequence: missense variant.
Genome position (GRCh38, 1-based): chr14:24,410,063, C>T. VCF-style: chr14-24410063-C-T. GRCh37 (hg19) VCF-style: chr14-24879269-C-T.
Other names: short protein forms R757C.
Identifiers: ClinVar variation 3409146 (VCV003409146.3), dbSNP rs267603971.

ClinVar aggregate classification (germline): Uncertain significance. Review status: criteria provided, multiple submitters, no conflicts (2 of 4 stars). 2 submissions from 2 submitters: Uncertain significance (2). Last evaluated 2024-09-30.

gnomAD v4.1: 32 of 1,613,818 alleles (0.002%); highest among the groups gnomAD compares: South Asian, 0.0055%; no homozygotes.

Submissions (2):

Ambry Genetics
Classification: Uncertain significance. Last evaluated: 2024-09-30. Review status: criteria provided, single submitter. Criteria: Ambry Variant Classification Scheme 2023. Collection method: clinical testing. Allele origin: germline.

Labcorp Genetics (formerly Invitae), Labcorp
Classification: Uncertain significance. Last evaluated: 2024-09-08. Review status: criteria provided, single submitter. Criteria: Invitae Variant Classification Sherloc (09022015). Collection method: clinical testing. Allele origin: germline.
Comment: This sequence change replaces arginine, which is basic and polar, with cysteine, which is neutral and slightly polar, at codon 757 of the NYNRIN protein (p.Arg757Cys). This variant is present in population databases (rs267603971, gnomAD 0.009%). This variant has not been reported in the literature in individuals affected with NYNRIN-related conditions. Experimental studies and prediction algorithms are not available or were not evaluated, and the functional significance of this variant is currently unknown. In summary, the available evidence is currently insufficient to determine the role of this variant in disease. Therefore, it has been classified as a Variant of Uncertain Significance.